The following is an entry in ClinVar:

NM_024577.4(SH3TC2):c.1135+197T>G

Gene: SH3TC2 (SH3 domain and tetratricopeptide repeats 2; minus strand). Cytogenetic location: 5q32.
Variant type: single nucleotide variant.
Coding change: c.1135+197T>G on transcript NM_024577.4 (MANE Select); 197 bases into the intron after coding-DNA position 1135, T replaced by G.
Molecular consequence: intron variant.
Genome position (GRCh38, 1-based): chr5:149,031,357, A>C on the plus strand (T>G on the coding strand, the complement: SH3TC2 is on the minus strand). VCF-style: chr5-149031357-A-C. GRCh37 (hg19) VCF-style: chr5-148410920-A-C.
Identifiers: ClinVar variation 670075 (VCV000670075.1), dbSNP rs2304034, ClinGen allele CA12012626.

ClinVar aggregate classification (germline): Benign (1 of 4 stars; one submission).

Allele frequency attached by ClinVar (database versions not stated): gnomAD 0.13526 and 0.14104; TOPMed 0.15075; 1000 Genomes Project 30x 0.18551; 1000 Genomes Project 0.18790.
gnomAD v4.1: 21,434 of 152,162 alleles (14%); highest among the groups gnomAD compares: Admixed American, 29%; 1,901 homozygotes.

Submission:

GeneDx
Classification: Benign. Last evaluated: 2018-06-20. Review status: criteria provided, single submitter. Criteria: GeneDx Variant Classification (06012015). Collection method: clinical testing. Allele origin: germline. Affected: yes.
Comment: This variant is considered likely benign or benign based on one or more of the following criteria: it is a conservative change, it occurs at a poorly conserved position in the protein, it is predicted to be benign by multiple in silico algorithms, and/or has population frequency not consistent with disease.